The following is an entry in ClinVar:

NM_024642.5(GALNT12):c.704A>G (p.Glu235Gly)

Gene: GALNT12 (polypeptide N-acetylgalactosaminyltransferase 12; plus strand). Cytogenetic location: 9q22.33.
Variant type: single nucleotide variant.
Coding change: c.704A>G on transcript NM_024642.5 (MANE Select); coding-DNA position 704, A replaced by G.
Protein change: p.Glu235Gly; replaces glutamic acid 235 with glycine.
Molecular consequence: missense variant.
Genome position (GRCh38, 1-based): chr9:98,826,914, A>G. VCF-style: chr9-98826914-A-G. GRCh37 (hg19) VCF-style: chr9-101589196-A-G.
Other names: short protein forms E235G.
Identifiers: ClinVar variation 241515 (VCV000241515.18), dbSNP rs767946700, ClinGen allele CA5154026.
Genomic context (GRCh38, chr9:98,826,914, plus strand): 5'-GGGCGTCTGCGGCGAGGGGCGATGTTCTGACCTTCCTGGACTGTCACTGTGAGTGCCACG[A>G]AGGGTGGCTGGAGCCGCTGCTGCAGAGGTACGTGAGCCGCCCACCATGGGAGAGACAGCA-3'
Protein context (NP_078918.3, residues 225-245): TFLDCHCECH[Glu235Gly]GWLEPLLQRI

ClinVar aggregate classification (germline): Uncertain significance. Review status: criteria provided, multiple submitters, no conflicts (2 of 4 stars). 3 submissions from 3 submitters: Uncertain significance (3). Last evaluated 2025-12-11.

Conditions:
Colorectal cancer, susceptibility to, 1. Also called: COLORECTAL ADENOMA AND CANCER, SUSCEPTIBILITY TO; COLORECTAL CANCER, SUSCEPTIBILITY TO, ON CHROMOSOME 9. Identifiers: MedGen C1837315, MONDO:0012132, OMIM 608812.

Allele frequency attached by ClinVar (database versions not stated): ExAC 0.00003; gnomAD exomes 0.00003 and 0.00006; TOPMed 0.00003; gnomAD 0.00004.
gnomAD v4.1: 96 of 1,572,544 alleles (0.0061%); highest among the groups gnomAD compares: Non-Finnish European, 0.0079%; no homozygotes.

Submissions (3):

Ambry Genetics
Classification: Uncertain significance. Last evaluated: 2025-12-11. Review status: criteria provided, single submitter. Criteria: Ambry Variant Classification Scheme 2023. Collection method: clinical testing. Allele origin: germline.

Labcorp Genetics (formerly Invitae), Labcorp
Classification: Uncertain significance. Last evaluated: 2025-08-02. Review status: criteria provided, single submitter. Criteria: Invitae Variant Classification Sherloc (09022015). Collection method: clinical testing. Allele origin: germline.
Comment: This sequence change replaces glutamic acid, which is acidic and polar, with glycine, which is neutral and non-polar, at codon 235 of the GALNT12 protein (p.Glu235Gly). This variant is present in population databases (rs767946700, gnomAD 0.007%). This variant has not been reported in the literature in individuals affected with GALNT12-related conditions. ClinVar contains an entry for this variant (Variation ID: 241515). Invitae Evidence Modeling of protein sequence and biophysical properties (such as structural, functional, and spatial information, amino acid conservation, physicochemical variation, residue mobility, and thermodynamic stability) indicates that this missense variant is not expected to disrupt GALNT12 protein function with a negative predictive value of 80%. Algorithms developed to predict the effect of sequence changes on RNA splicing suggest that this variant may create or strengthen a splice site. In summary, the available evidence is currently insufficient to determine the role of this variant in disease. Therefore, it has been classified as a Variant of Uncertain Significance.

Baylor Genetics
Classification: Uncertain significance for Colorectal cancer, susceptibility to, 1. Last evaluated: 2024-01-31. Review status: criteria provided, single submitter. Criteria: ACMG Guidelines, 2015. Collection method: clinical testing. Allele origin: unknown.